The following is an entry in ClinVar:

ClinVar aggregate classification (germline): Pathogenic. Review status: criteria provided, multiple submitters, no conflicts (2 of 4 stars). 4 submissions from 4 submitters: Pathogenic (4). Last evaluated 2026-03-23.

Conditions:
PKD2-related disorder. Also called: PKD2-related condition.
Autosomal dominant polycystic kidney disease. Identifiers: Orphanet 730, MedGen C0085413, MONDO:0004691.
Polycystic kidney disease 2 (PKD2). Also called: Polycystic Kidney Disease 2, Autosomal Dominant; POLYCYSTIC KIDNEY DISEASE, ADULT, TYPE II; POLYCYSTIC KIDNEY DISEASE 2 WITH OR WITHOUT POLYCYSTIC LIVER DISEASE. Identifiers: MedGen C2751306, MONDO:0013131, OMIM 613095.

Submissions (4):

PreventionGenetics, part of Exact Sciences
Classification: Pathogenic for PKD2-related condition. Last evaluated: 2026-03-23. Review status: criteria provided, single submitter. Criteria: ACMG Guidelines, 2015. Collection method: clinical testing. Allele origin: germline.
Comment: The PKD2 c.1760C>A variant is predicted to result in premature protein termination (p.Ser587*). To our knowledge, this variant has not been reported in the literature or in a large population database (gnomAD), indicating this variant is rare. Nonsense variants in PKD2 are expected to be pathogenic. This variant is interpreted as pathogenic.

Labcorp Genetics (formerly Invitae), Labcorp
Classification: Pathogenic for Autosomal dominant polycystic kidney disease. Last evaluated: 2025-05-21. Review status: criteria provided, single submitter. Criteria: Invitae Variant Classification Sherloc (09022015). Collection method: clinical testing. Allele origin: germline.
Comment: This sequence change creates a premature translational stop signal (p.Ser587*) in the PKD2 gene. It is expected to result in an absent or disrupted protein product. Loss-of-function variants in PKD2 are known to be pathogenic (PMID: 17582161, 22863349). This variant is not present in population databases (gnomAD no frequency). This variant has not been reported in the literature in individuals affected with PKD2-related conditions. ClinVar contains an entry for this variant (Variation ID: 3345582). For these reasons, this variant has been classified as Pathogenic.

Women's Health and Genetics/Laboratory Corporation of America, LabCorp
Classification: Pathogenic for Polycystic kidney disease 2. Last evaluated: 2025-01-20. Review status: criteria provided, single submitter. Criteria: LabCorp Variant Classification Summary - May 2015. Collection method: clinical testing. Allele origin: germline.
Comment: Variant summary: PKD2 c.1760C>A (p.Ser587X) results in a premature termination codon, predicted to cause absence of the protein due to nonsense mediated decay, which is a commonly known mechanism for disease. The variant was absent in 251196 control chromosomes. To our knowledge, no occurrence of c.1760C>A in individuals affected with Polycystic Kidney Disease 2 and no experimental evidence demonstrating its impact on protein function have been reported. ClinVar contains an entry for this variant (Variation ID: 3345582). Based on the evidence outlined above, the variant was classified as pathogenic.

Fulgent Genetics
Classification: Pathogenic for Polycystic kidney disease 2. Last evaluated: 2024-06-03. Review status: criteria provided, single submitter. Criteria: ACMG Guidelines, 2015. Collection method: clinical testing. Allele origin: germline.

Literature cited by the submitters: PubMed 17582161 (cited by Labcorp Genetics (formerly Invitae), Labcorp); PubMed 22863349 (cited by Labcorp Genetics (formerly Invitae), Labcorp).

NM_000297.4(PKD2):c.1760C>A (p.Ser587Ter)

Gene: PKD2 (polycystin 2, transient receptor potential cation channel; plus strand). Cytogenetic location: 4q22.1.
Variant type: single nucleotide variant.
Coding change: c.1760C>A on transcript NM_000297.4 (MANE Select); coding-DNA position 1760, C replaced by A.
Protein change: p.Ser587Ter; replaces serine 587 with a stop codon.
Molecular consequence: nonsense. On other transcripts: non-coding transcript variant (1).
Genome position (GRCh38, 1-based): chr4:88,056,129, C>A. VCF-style: chr4-88056129-C-A. GRCh37 (hg19) VCF-style: chr4-88977281-C-A.
Other names: short protein forms S587*.
Identifiers: ClinVar variation 3345582 (VCV003345582.6).
Genomic context (GRCh38, chr4:88,056,129, plus strand): 5'-TCTTCTCTCTCTTACAGCTCTTCAAATTCATCAATTTTAACAGGACCATGAGCCAGCTCT[C>A]GACAACCATGTCTCGATGTGCCAAAGACCTGTTTGGCTTTGCTATTATGTTCTTCATTAT-3'